The following is an entry in ClinVar:

NM_003070.5(SMARCA2):c.4549_4557del (p.Asn1517_Glu1519del)

Gene: SMARCA2 (SWI/SNF related BAF chromatin remodeling complex subunit ATPase 2; plus strand). Cytogenetic location: 9p24.3.
Variant type: Deletion.
Coding change: c.4549_4557del on transcript NM_003070.5 (MANE Select); coding-DNA positions 4549 to 4557, 9 bases deleted (AATGAAGAG; older notation c.4549_4557delAATGAAGAG).
Protein change: p.Asn1517_Glu1519del.
Molecular consequence: inframe deletion. On other transcripts: inframe indel (3).
Genome position (GRCh38, 1-based): chr9:2,186,183-2,186,191, AATGAAGAG deleted. VCF-style (leftmost placement, unchanged base first): chr9-2186182-CAATGAAGAG-C. GRCh37 (hg19) VCF-style: chr9-2186182-CAATGAAGAG-C.
Other names: c.4549_4557delAATGAAGAG, p.Asn1517_Glu1519del (NM_001289396.2); c.4321_4329del, p.Asn1441_Glu1443del (NM_001289397.2); c.523_531del, p.Asn175_Glu177del (NM_001289398.2); c.607_615delAATGAAGAG, p.Asn203_Glu205del (NM_001289399.2); c.613_621delAATGAAGAG, p.Asn205_Glu207del (NM_001289400.2); c.4495_4503del, p.Asn1499_Glu1501del (NM_139045.4).
Identifiers: ClinVar variation 1950271 (VCV001950271.6), dbSNP rs2537611808, ClinGen allele CA2579289859.

ClinVar aggregate classification (germline): Uncertain significance. Review status: criteria provided, multiple submitters, no conflicts (2 of 4 stars). 2 submissions from 2 submitters: Uncertain significance (2). Last evaluated 2023-04-13.

Submissions (2):

Blueprint Genetics
Classification: Uncertain significance. Last evaluated: 2023-04-13. Review status: criteria provided, single submitter. Criteria: ACMG Guidelines, 2015. Collection method: clinical testing. Allele origin: germline.

Labcorp Genetics (formerly Invitae), Labcorp
Classification: Uncertain significance. Last evaluated: 2022-09-05. Review status: criteria provided, single submitter. Criteria: Invitae Variant Classification Sherloc (09022015). Collection method: clinical testing. Allele origin: germline.
Comment: In summary, the available evidence is currently insufficient to determine the role of this variant in disease. Therefore, it has been classified as a Variant of Uncertain Significance. This variant, c.4549_4557del, results in the deletion of 3 amino acid(s) of the SMARCA2 protein (p.Asn1517_Glu1519del), but otherwise preserves the integrity of the reading frame. This variant is not present in population databases (gnomAD no frequency). This variant has not been reported in the literature in individuals affected with SMARCA2-related conditions. Experimental studies and prediction algorithms are not available or were not evaluated, and the functional significance of this variant is currently unknown.